The following is an entry in ClinVar:

NM_000488.4(SERPINC1):c.41+4A>T

Gene: SERPINC1 (serpin family C member 1; minus strand). Cytogenetic location: 1q25.1.
Variant type: single nucleotide variant.
Coding change: c.41+4A>T on transcript NM_000488.4 (MANE Select); 4 bases into the intron after coding-DNA position 41, A replaced by T.
Molecular consequence: intron variant.
Genome position (GRCh38, 1-based): chr1:173,917,215, T>A on the plus strand (A>T on the coding strand, the complement: SERPINC1 is on the minus strand). VCF-style: chr1-173917215-T-A. GRCh37 (hg19) VCF-style: chr1-173886353-T-A.
Other names: c.24+21A>T (NM_001386303.1); c.41+4A>T (NM_001386306.1, NM_001386304.1, NM_001386305.1 and 1 more transcripts); c.-273+4A>T (NM_001365052.2).
Identifiers: ClinVar variation 4751226 (VCV004751226.1).

ClinVar aggregate classification (germline): Uncertain significance (1 of 4 stars; one submission).

Conditions:
Hereditary antithrombin deficiency (AT3D). Also called: Antithrombin III deficiency; Thrombophilia due to antithrombin III deficiency; Antithrombin deficiency; Reduced antithrombin III activity. Identifiers: Orphanet 82, MedGen C0272375, MONDO:0013144, OMIM 613118, HP:0001976.

Submission:

Labcorp Genetics (formerly Invitae), Labcorp
Classification: Uncertain significance for Hereditary antithrombin deficiency. Last evaluated: 2025-06-27. Review status: criteria provided, single submitter. Criteria: Invitae Variant Classification Sherloc (09022015). Collection method: clinical testing. Allele origin: germline.
Comment: This sequence change falls in intron 1 of the SERPINC1 gene. It does not directly change the encoded amino acid sequence of the SERPINC1 protein. It affects a nucleotide within the consensus splice site. This variant is not present in population databases (gnomAD no frequency). This variant has not been reported in the literature in individuals affected with SERPINC1-related conditions. Variants that disrupt the consensus splice site are a relatively common cause of aberrant splicing (PMID: 17576681, 9536098). Algorithms developed to predict the effect of sequence changes on RNA splicing suggest that this variant may disrupt the consensus splice site. In summary, the available evidence is currently insufficient to determine the role of this variant in disease. Therefore, it has been classified as a Variant of Uncertain Significance.

Literature cited by the submitters: PubMed 17576681; PubMed 9536098.